The following is an entry in ClinVar:

ClinVar aggregate classification (germline): Likely pathogenic. Review status: reviewed by expert panel (3 of 4 stars). 2 submissions from 2 submitters: Likely pathogenic (1). 1 of the submissions does not count toward it. Last evaluated 2024-03-07.

Conditions:
Glanzmann thrombasthenia 1 (GT1). Also called: BLEEDING DISORDER, PLATELET-TYPE, 2; GP IIb-IIIa COMPLEX DEFICIENCY; GLYCOPROTEIN COMPLEX IIb-IIIa DEFICIENCY; PLATELET FIBRINOGEN RECEPTOR DEFICIENCY. Identifiers: MedGen CN300358, MONDO:0031332, OMIM 273800.
Glanzmann thrombasthenia. Also called: THROMBASTHENIA OF GLANZMANN AND NAEGELI; Glanzmann's thrombasthenia; Thrombasthenia; PLATELET GLYCOPROTEIN IIb-IIIa DEFICIENCY. Identifiers: Orphanet 849, MedGen C0040015, MONDO:0100326.

Allele frequency attached by ClinVar (database versions not stated): gnomAD exomes below 0.00001.

Submissions (2):

ClinGen Platelet Disorders Variant Curation Expert Panel, ClinGen
Classification: Likely pathogenic for Glanzmann thrombasthenia. Last evaluated: 2024-03-07. Review status: reviewed by expert panel. Criteria: ClinGen Platelet ACMG Specifications v2-1. Collection method: curation. Allele origin: germline. Inheritance: Autosomal recessive inheritance.
Comment: The NM_000419.5:c.1021G>A variant in ITGA2B is a missense variant predicted to cause substitution of Alanine by Threonine at amino acid 341. At least one patient (Patient 5 in PMID:32089034) homozygous for this variant displayed mucocutaneous bleeding and impaired aggregation with all agonists except ristocetin, which is highly specific for Glanzmann thrombasthenia (PP4_moderate). A second homozygous case has also been identified (Northern Blood Research Centre, Kolling Institute, at The University of Sydney; PM3). This variant occurs at a MAF of 0.000002737 (3/1096028 alleles) in the European (non-Finnish) population, which is below the <0.0001 threshold for PM2_supporting. The computational predictor REVEL gives a score of 0.737, which is above the ClinGen PD VCEP threshold of >0.7 and predicts a damaging effect on function (PP3). In summary, this variant meets the criteria to be classified as likely pathogenic for autosomal recessive Glanzmann Thrombasthenia based on the ACMG/AMP criteria applied, as specified by the ClinGen PD VCEP: PP4_moderate, PM3, PM2_supporting, PP3. (VCEP specifications version 2).

ISTH-SSC Genomics in Thrombosis and Hemostasis, KU Leuven, Center for Molecular and Vascular Biology
Classification: Likely pathogenic for Glanzmann thrombasthenia 1. Review status: criteria provided, single submitter. Criteria: ACMG Guidelines, 2015. Collection method: clinical testing. Allele origin: germline. Affected: yes. Observed: 1 homozygote. Not counted in ClinVar's aggregate classification.
Comment: Submitted to the GoldVariant database by Dr Marie-Christine Morel-Kopp; Northern Blood Research Centre, Sydney, Australia

NM_000419.5(ITGA2B):c.1021G>A (p.Ala341Thr)

Gene: ITGA2B (integrin subunit alpha 2b; minus strand). Cytogenetic location: 17q21.31.
Variant type: single nucleotide variant.
Coding change: c.1021G>A on transcript NM_000419.5 (MANE Select); coding-DNA position 1021, G replaced by A.
Protein change: p.Ala341Thr; replaces alanine 341 with threonine.
Molecular consequence: missense variant.
Genome position (GRCh38, 1-based): chr17:44,383,682, C>T on the plus strand (G>A on the coding strand, the complement: ITGA2B is on the minus strand). VCF-style: chr17-44383682-C-T. GRCh37 (hg19) VCF-style: chr17-42461050-C-T.
Other names: c.1021G>A (NM_000419.4); short protein forms A341T.
Identifiers: ClinVar variation 996200 (VCV000996200.4), dbSNP rs2048616842, ClinGen allele CA399804633.